The following is an entry in ClinVar:

NM_000090.4(COL3A1):c.2255A>G (p.Asp752Gly)

Gene: COL3A1 (collagen type III alpha 1 chain; plus strand). Cytogenetic location: 2q32.2.
Variant type: single nucleotide variant.
Coding change: c.2255A>G on transcript NM_000090.4 (MANE Select); coding-DNA position 2255, A replaced by G.
Protein change: p.Asp752Gly; replaces aspartic acid 752 with glycine.
Molecular consequence: missense variant.
Genome position (GRCh38, 1-based): chr2:188,999,867, A>G. VCF-style: chr2-188999867-A-G. GRCh37 (hg19) VCF-style: chr2-189864593-A-G.
Other names: short protein forms D752G.
Identifiers: ClinVar variation 2848459 (VCV002848459.3), dbSNP rs2469145013, ClinGen allele CA349841156.

ClinVar aggregate classification (germline): Uncertain significance (1 of 4 stars; one submission).

Conditions:
Ehlers-Danlos syndrome, type 4 (EDSVASC). Also called: Ehlers-Danlos syndrome vascular type; Ehlers Danlos syndrome, ecchymotic type; Ehlers Danlos syndrome, arterial type; Ehlers Danlos syndrome, Sack-Barabas type; Ehlers-Danlos Syndrome Type IV. Identifiers: Orphanet 286, MedGen C0268338, MONDO:0017314, OMIM 130050.

Submission:

Labcorp Genetics (formerly Invitae), Labcorp
Classification: Uncertain significance for Ehlers-Danlos syndrome, type 4. Last evaluated: 2023-03-22. Review status: criteria provided, single submitter. Criteria: Invitae Variant Classification Sherloc (09022015). Collection method: clinical testing. Allele origin: germline.
Comment: Advanced modeling of protein sequence and biophysical properties (such as structural, functional, and spatial information, amino acid conservation, physicochemical variation, residue mobility, and thermodynamic stability) performed at Invitae indicates that this missense variant is not expected to disrupt COL3A1 protein function. In summary, the available evidence is currently insufficient to determine the role of this variant in disease. Therefore, it has been classified as a Variant of Uncertain Significance. This variant has not been reported in the literature in individuals affected with COL3A1-related conditions. This sequence change replaces aspartic acid, which is acidic and polar, with glycine, which is neutral and non-polar, at codon 752 of the COL3A1 protein (p.Asp752Gly). This variant is not present in population databases (gnomAD no frequency).